The following is an entry in ClinVar:

ClinVar aggregate classification (germline): Uncertain significance (1 of 4 stars; one submission).

Conditions:
Inborn genetic diseases. Identifiers: MedGen C0950123, MeSH D030342.

Submission:

Ambry Genetics
Classification: Uncertain significance for Inborn genetic diseases. Last evaluated: 2021-11-15. Review status: criteria provided, single submitter. Criteria: Ambry Variant Classification Scheme 2023. Collection method: clinical testing. Allele origin: germline.
Comment: The p.V181F variant (also known as c.541G>T), located in coding exon 5 of the MDH2 gene, results from a G to T substitution at nucleotide position 541. The valine at codon 181 is replaced by phenylalanine, an amino acid with highly similar properties. This amino acid position is conserved. In addition, this alteration is predicted to be deleterious by in silico analysis. Since supporting evidence is limited at this time, the clinical significance of this alteration remains unclear.

NM_005918.4(MDH2):c.541G>T (p.Val181Phe)

Gene: MDH2 (malate dehydrogenase 2; plus strand). Cytogenetic location: 7q11.23.
Variant type: single nucleotide variant.
Coding change: c.541G>T on transcript NM_005918.4 (MANE Select); coding-DNA position 541, G replaced by T.
Protein change: p.Val181Phe; replaces valine 181 with phenylalanine.
Molecular consequence: missense variant. On other transcripts: intron variant (1).
Genome position (GRCh38, 1-based): chr7:76,060,484, G>T. VCF-style: chr7-76060484-G-T. GRCh37 (hg19) VCF-style: chr7-75689802-G-T.
Other names: c.220G>T, p.Val74Phe (NM_001282404.2); c.429+2406G>T (NM_001282403.2); short protein forms V181F, V74F.
Identifiers: ClinVar variation 1747434 (VCV001747434.2), dbSNP rs1563550378, ClinGen allele CA367765154.